The following is an entry in ClinVar:

ClinVar aggregate classification (germline): Uncertain significance (1 of 4 stars; one submission).

Conditions:
Inborn genetic diseases. Identifiers: MedGen C0950123, MeSH D030342.

Submission:

Ambry Genetics
Classification: Uncertain significance for Inborn genetic diseases. Last evaluated: 2025-02-12. Review status: criteria provided, single submitter. Criteria: Ambry Variant Classification Scheme 2023. Collection method: clinical testing. Allele origin: germline.
Comment: The p.V653A variant (also known as c.1958T>C), located in coding exon 17 of the KDM1A gene, results from a T to C substitution at nucleotide position 1958. The valine at codon 653 is replaced by alanine, an amino acid with similar properties. This amino acid position is conserved. In addition, this alteration is predicted to be deleterious by in silico analysis. Based on the available evidence, the clinical significance of this variant remains unclear.

NM_001009999.3(KDM1A):c.1958T>C (p.Val653Ala)

Gene: KDM1A (lysine demethylase 1A; plus strand). Cytogenetic location: 1p36.12.
Variant type: single nucleotide variant.
Coding change: c.1958T>C on transcript NM_001009999.3 (MANE Select); coding-DNA position 1958, T replaced by C.
Protein change: p.Val653Ala; replaces valine 653 with alanine.
Molecular consequence: missense variant.
Genome position (GRCh38, 1-based): chr1:23,079,080, T>C. VCF-style: chr1-23079080-T-C. GRCh37 (hg19) VCF-style: chr1-23405573-T-C.
Other names: c.1904T>C, p.Val635Ala (NM_001363654.2); c.1964T>C, p.Val655Ala (NM_001410762.1); c.1886T>C, p.Val629Ala (NM_001410763.1, NM_015013.4); short protein forms V655A, V635A, V629A, V653A.
Identifiers: ClinVar variation 3863324 (VCV003863324.1).